The following is an entry in ClinVar:

NM_031308.4(EPPK1):c.6502A>G (p.Ser2168Gly)

Gene: EPPK1 (epiplakin 1; minus strand). Cytogenetic location: 8q24.3.
Variant type: single nucleotide variant.
Coding change: c.6502A>G on transcript NM_031308.4 (MANE Select); coding-DNA position 6502, A replaced by G.
Protein change: p.Ser2168Gly; replaces serine 2168 with glycine.
Molecular consequence: missense variant.
Genome position (GRCh38, 1-based): chr8:143,866,752, T>C on the plus strand (A>G on the coding strand, the complement: EPPK1 is on the minus strand). VCF-style: chr8-143866752-T-C. GRCh37 (hg19) VCF-style: chr8-144940920-T-C.
Other names: short protein forms S2168G.
Identifiers: ClinVar variation 3035498 (VCV003035498.2), dbSNP rs116388180, ClinGen allele CA4921720.

ClinVar aggregate classification (germline): Benign (0 of 4 stars; one submission).

Conditions:
EPPK1-related disorder. Also called: EPPK1-related condition.

Allele frequency attached by ClinVar (database versions not stated): ESP Exome Variant Server 0.01427; 1000 Genomes Project 0.01558; TOPMed 0.01659; 1000 Genomes Project 30x 0.01702.
gnomAD v4.1: 4,493 of 1,613,542 alleles (0.28%); highest among the groups gnomAD compares: African/African-American, 5.4%; 117 homozygotes.

Submission:

PreventionGenetics, part of Exact Sciences
Classification: Benign for EPPK1-related condition. Last evaluated: 2021-04-14. Review status: no assertion criteria provided. Collection method: clinical testing. Allele origin: germline.
Comment: This variant is classified as benign based on ACMG/AMP sequence variant interpretation guidelines (Richards et al. 2015 PMID: 25741868, with internal and published modifications).